The following is an entry in ClinVar:

ClinVar aggregate classification (germline): Conflicting classifications of pathogenicity. Review status: criteria provided, conflicting classifications (1 of 4 stars). 3 submissions from 3 submitters: Pathogenic (1); Uncertain significance (1). 1 of the submissions does not count toward it. Last evaluated 2025-06-18.

Conditions:
LAMA2-related muscular dystrophy (LAMA2-RD). Also called: Laminin alpha 2-related dystrophy. Identifiers: MedGen C5679788, MONDO:0100228.
Congenital muscular dystrophy due to partial LAMA2 deficiency. Identifiers: MedGen C1842898.

Allele frequency attached by ClinVar (database versions not stated): gnomAD exomes below 0.00001 and 0.00001; TOPMed below 0.00001; gnomAD 0.00001.
gnomAD v4.1: 9 of 1,613,432 alleles (0.00056%); highest among the groups gnomAD compares: Non-Finnish European, 0.00076%; no homozygotes.

Submissions (3):

Labcorp Genetics (formerly Invitae), Labcorp
Classification: Pathogenic for LAMA2-related muscular dystrophy. Last evaluated: 2025-06-18. Review status: criteria provided, single submitter. Criteria: Invitae Variant Classification Sherloc (09022015). Collection method: clinical testing. Allele origin: germline.
Comment: This sequence change replaces cysteine, which is neutral and slightly polar, with tyrosine, which is neutral and polar, at codon 527 of the LAMA2 protein (p.Cys527Tyr). The frequency data for this variant in the population databases is considered unreliable, as metrics indicate poor data quality at this position in the gnomAD database. This missense change has been observed in individual(s) with features of congenital muscular dystrophy and congenital muscular dystrophy (PMID: 12552556, 23326386; internal data). In at least one individual the data is consistent with being in trans (on the opposite chromosome) from a pathogenic variant. ClinVar contains an entry for this variant (Variation ID: 14298). Invitae Evidence Modeling of protein sequence and biophysical properties (such as structural, functional, and spatial information, amino acid conservation, physicochemical variation, residue mobility, and thermodynamic stability) has been performed for this missense variant. However, the output from this modeling did not meet the statistical confidence thresholds required to predict the impact of this variant on LAMA2 protein function. For these reasons, this variant has been classified as Pathogenic.

Eurofins Ntd Llc (ga)
Classification: Uncertain significance. Last evaluated: 2013-04-05. Review status: criteria provided, single submitter. Criteria: EGL Classification Definitions 2015. Collection method: clinical testing. Allele origin: germline. Observed: 1 variant allele, 1 heterozygote.

OMIM
Classification: Pathogenic for MUSCULAR DYSTROPHY, CONGENITAL, DUE TO PARTIAL LAMA2 DEFICIENCY. Last evaluated: 2003-02-01. Review status: no assertion criteria provided. Collection method: literature only. Allele origin: germline. Not counted in ClinVar's aggregate classification.

Literature cited by the submitters: PubMed 12552556 (cited by Labcorp Genetics (formerly Invitae), Labcorp and OMIM); PubMed 23326386 (cited by Labcorp Genetics (formerly Invitae), Labcorp).

NM_000426.4(LAMA2):c.1580G>A (p.Cys527Tyr)

Gene: LAMA2 (laminin subunit alpha 2; plus strand). Cytogenetic location: 6q22.33.
Variant type: single nucleotide variant.
Coding change: c.1580G>A on transcript NM_000426.4 (MANE Select); coding-DNA position 1580, G replaced by A.
Protein change: p.Cys527Tyr; replaces cysteine 527 with tyrosine.
Molecular consequence: missense variant.
Genome position (GRCh38, 1-based): chr6:129,190,317, G>A. VCF-style: chr6-129190317-G-A. GRCh37 (hg19) VCF-style: chr6-129511462-G-A.
Other names: c.1580G>A, p.Cys527Tyr (NM_001079823.2); short protein forms C527Y.
Identifiers: ClinVar variation 14298 (VCV000014298.14), dbSNP rs121913574, ClinGen allele CA123845.